The following is an entry in ClinVar:

NM_023036.6(DNAI2):c.1494+1G>T

Gene: DNAI2 (dynein axonemal intermediate chain 2; plus strand). Cytogenetic location: 17q25.1.
Variant type: single nucleotide variant.
Coding change: c.1494+1G>T on transcript NM_023036.6 (MANE Select); the canonical splice donor site of the intron after coding-DNA position 1494, G replaced by T.
Molecular consequence: splice donor variant.
Genome position (GRCh38, 1-based): chr17:74,310,164, G>T. VCF-style: chr17-74310164-G-T. GRCh37 (hg19) VCF-style: chr17-72306303-G-T.
Other names: c.1494+1G>T (NM_023036.5, NM_001353167.2); c.1458+1G>T (NM_001172810.3).
Identifiers: ClinVar variation 1433695 (VCV001433695.7), dbSNP rs397515565, ClinGen allele CA8745791.

ClinVar aggregate classification (germline): Pathogenic/Likely pathogenic. Review status: criteria provided, multiple submitters, no conflicts (2 of 4 stars). 2 submissions from 2 submitters: Pathogenic (1); Likely pathogenic (1). Last evaluated 2025-09-07.

Conditions:
Primary ciliary dyskinesia. Also called: Ciliary dyskinesia. Identifiers: Orphanet 244, MedGen C0008780, MONDO:0016575, HP:0012265.

Allele frequency attached by ClinVar (database versions not stated): ExAC 0.00001.

Submissions (2):

Natera, Inc.
Classification: Likely pathogenic for Primary ciliary dyskinesia. Last evaluated: 2025-09-07. Review status: criteria provided, single submitter. Criteria: Natera Variant Classification Schema (03/2026). Collection method: clinical testing. Allele origin: germline.
Comment: The c.1494+1G>T variant in DNAI2 is a canonical splice donor site variant predicted to affect pre-mRNA splicing, which may result in an abnormal transcript and altered protein product. This variant may result in a truncated or dysfunctional protein product. This variant is rare in the general population with a frequency below the threshold expected for the associated phenotype(s). Another variant at this same site results in an alteration predicted to cause a similar molecular effect has been observed in individual(s) with the associated phenotype. Given the available evidence, this variant is classified as Likely Pathogenic.

Labcorp Genetics (formerly Invitae), Labcorp
Classification: Pathogenic for Primary ciliary dyskinesia. Last evaluated: 2021-11-26. Review status: criteria provided, single submitter. Criteria: Invitae Variant Classification Sherloc (09022015). Collection method: clinical testing. Allele origin: germline.
Comment: For these reasons, this variant has been classified as Pathogenic. Studies have shown that disruption of this splice site results in skipping of exon 11, but is expected to preserve the integrity of the reading-frame (PMID: 18950741). Disruption of this splice site has been observed in individual(s) with primary ciliary dyskinesia (PMID: 18950741). It has also been observed to segregate with disease in related individuals. This variant is present in population databases (rs397515565, gnomAD 0.006%). This sequence change affects a donor splice site in intron 11 of the DNAI2 gene. RNA analysis indicates that disruption of this splice site induces altered splicing and likely results in a shortened protein product.

Literature cited by the submitters: PubMed 18950741 (cited by Labcorp Genetics (formerly Invitae), Labcorp).